The following is an entry in ClinVar:

NM_001384140.1(PCDH15):c.3797A>G (p.Asp1266Gly)

Gene: PCDH15 (protocadherin related 15; minus strand). Cytogenetic location: 10q21.1.
Variant type: single nucleotide variant.
Coding change: c.3797A>G on transcript NM_001384140.1 (MANE Select); coding-DNA position 3797, A replaced by G.
Protein change: p.Asp1266Gly; replaces aspartic acid 1266 with glycine.
Molecular consequence: missense variant.
Genome position (GRCh38, 1-based): chr10:53,857,184, T>C on the plus strand (A>G on the coding strand, the complement: PCDH15 is on the minus strand). VCF-style: chr10-53857184-T-C. GRCh37 (hg19) VCF-style: chr10-55616944-T-C.
Other names: c.3812A>G, p.Asp1271Gly (NM_001142763.2, NM_001142771.2); c.3797A>G, p.Asp1266Gly (NM_001142764.2, NM_001142766.2, NM_001142770.3 and 4 more transcripts); c.3584A>G, p.Asp1195Gly (NM_001142765.2); c.3686A>G, p.Asp1229Gly (NM_001142767.2); c.3731A>G, p.Asp1244Gly (NM_001142768.2, NM_001142773.2, NM_001354404.2); c.3833A>G, p.Asp1278Gly (NM_001142769.4); c.3818A>G, p.Asp1273Gly (NM_001354411.2); short protein forms D1195G, D1229G, D1244G, D1266G, D1271G, D1273G, D1278G.
Identifiers: ClinVar variation 1878712 (VCV001878712.2), dbSNP rs2078805937, ClinGen allele CA376514265.

ClinVar aggregate classification (germline): Uncertain significance (1 of 4 stars; one submission).

Allele frequency attached by ClinVar (database versions not stated): TOPMed below 0.00001; gnomAD 0.00001.
gnomAD v4.1: 3 of 1,594,498 alleles (0.00019%); highest among the groups gnomAD compares: Non-Finnish European, 0.00026%; no homozygotes.

Submission:

GeneDx
Classification: Uncertain significance. Last evaluated: 2023-03-24. Review status: criteria provided, single submitter. Criteria: GeneDx Variant Classification Process June 2021. Collection method: clinical testing. Allele origin: germline. Affected: yes.
Comment: Not observed at significant frequency in large population cohorts (gnomAD); In silico analysis supports that this missense variant has a deleterious effect on protein structure/function; Has not been previously published as pathogenic or benign to our knowledge